The following is an entry in ClinVar:

NM_000059.4(BRCA2):c.6936T>G (p.Asp2312Glu)

Gene: BRCA2 (BRCA2 DNA repair associated; plus strand). Cytogenetic location: 13q13.1.
Variant type: single nucleotide variant.
Coding change: c.6936T>G on transcript NM_000059.4 (MANE Select); coding-DNA position 6936, T replaced by G.
Protein change: p.Asp2312Glu; replaces aspartic acid 2312 with glutamic acid.
Molecular consequence: missense variant. On other transcripts: non-coding transcript variant (1), intron variant (1).
Genome position (GRCh38, 1-based): chr13:32,344,652, T>G. VCF-style: chr13-32344652-T-G. GRCh37 (hg19) VCF-style: chr13-32918789-T-G.
Other names: c.6936T>G, p.Asp2312Glu (NM_001406720.1); c.2004T>G, p.Asp668Glu (NM_001406721.1); c.519T>G, p.Asp173Glu (NM_001406722.1); c.6842-2175T>G (NM_001406719.1); short protein forms D173E, D2312E, D668E.
Identifiers: ClinVar variation 3228115 (VCV003228115.1), dbSNP rs80358917, ClinGen allele CA387792955.
Genomic context (GRCh38, chr13:32,344,652, plus strand): 5'-ATTTGACAGGATAATAGAAAATCAAGAAAAATCCTTAAAGGCTTCAAAAAGCACTCCAGA[T>G]GGTAAAATTAGCTTTTTATTTATATCTGTTCTCCCTCTATAGGTATGGTATATAATATTC-3'
Protein context (NP_000050.3, residues 2302-2322): KSLKASKSTP[Asp2312Glu]GTIKDRRLFM

ClinVar aggregate classification (germline): Uncertain significance (1 of 4 stars; one submission).

Conditions:
Hereditary cancer-predisposing syndrome. Also called: Neoplastic Syndromes, Hereditary; Tumor predisposition; Hereditary neoplastic syndrome; Hereditary Cancer Syndrome. Identifiers: Orphanet 140162, MedGen C0027672, MeSH D009386, MONDO:0015356.

Submission:

Ambry Genetics
Classification: Uncertain significance for Hereditary cancer-predisposing syndrome. Last evaluated: 2023-09-18. Review status: criteria provided, single submitter. Criteria: Ambry Variant Classification Scheme 2023. Collection method: clinical testing. Allele origin: germline.
Comment: The p.D2312E variant (also known as c.6936T>G), located in coding exon 11 of the BRCA2 gene, results from a T to G substitution at nucleotide position 6936. The aspartic acid at codon 2312 is replaced by glutamic acid, an amino acid with highly similar properties. This amino acid position is well conserved in available vertebrate species. In addition, the in silico prediction for this alteration is inconclusive. Since supporting evidence is limited at this time, the clinical significance of this alteration remains unclear.